The following is an entry in ClinVar:

NM_001005373.4(LRSAM1):c.1573C>T (p.Arg525Ter)

Gene: LRSAM1 (leucine rich repeat and sterile alpha motif containing 1; plus strand). Cytogenetic location: 9q33.3.
Variant type: single nucleotide variant.
Coding change: c.1573C>T on transcript NM_001005373.4 (MANE Select); coding-DNA position 1573, C replaced by T.
Protein change: p.Arg525Ter; replaces arginine 525 with a stop codon.
Molecular consequence: nonsense. On other transcripts: non-coding transcript variant (2).
Genome position (GRCh38, 1-based): chr9:127,492,871, C>T. VCF-style: chr9-127492871-C-T. GRCh37 (hg19) VCF-style: chr9-130255150-C-T.
Other names: c.1573C>T, p.Arg525Ter (NM_001005374.4, NM_001384142.1, NM_001384143.1 and 1 more transcripts); c.1492C>T, p.Arg498Ter (NM_001190723.3); c.784C>T, p.Arg262Ter (NM_001384144.1); short protein forms R262*, R498*, R525*.
Identifiers: ClinVar variation 3727854 (VCV003727854.3).

ClinVar aggregate classification (germline): Pathogenic/Likely pathogenic. Review status: criteria provided, multiple submitters, no conflicts (2 of 4 stars). 2 submissions from 2 submitters: Pathogenic (1); Likely pathogenic (1). Last evaluated 2025-08-18.

Conditions:
LRSAM1-related disorder. Also called: LRSAM1-related condition.
Charcot-Marie-Tooth disease axonal type 2P. Also called: CHARCOT-MARIE-TOOTH NEUROPATHY, TYPE 2P; Charcot-Marie-Tooth Neuropathy Type 2G; CHARCOT-MARIE-TOOTH DISEASE, AXONAL, TYPE 2G; CMT 2G. Identifiers: Orphanet 300319, Orphanet 99941, MedGen C3280797, MONDO:0013753, OMIM 614436.

gnomAD v4.1: 3 of 1,613,996 alleles (0.00019%); highest among the groups gnomAD compares: African/African-American, 0.0013%; no homozygotes.

Submissions (2):

PreventionGenetics, part of Exact Sciences
Classification: Likely pathogenic for LRSAM1-related condition. Last evaluated: 2025-08-18. Review status: criteria provided, single submitter. Criteria: ACMG Guidelines, 2015. Collection method: clinical testing. Allele origin: germline.
Comment: The LRSAM1 c.1573C>T variant is predicted to result in premature protein termination (p.Arg525*). To our knowledge, this variant has not been reported in the literature or a large population database (gnomAD), indicating this variant is rare. Nonsense variants in LRSAM1 are expected to be pathogenic. This variant is interpreted as likely pathogenic for autosomal recessive LRSAM1-related disorders.

Labcorp Genetics (formerly Invitae), Labcorp
Classification: Pathogenic for Charcot-Marie-Tooth disease axonal type 2P. Last evaluated: 2024-09-12. Review status: criteria provided, single submitter. Criteria: Invitae Variant Classification Sherloc (09022015). Collection method: clinical testing. Allele origin: germline.
Comment: This sequence change creates a premature translational stop signal (p.Arg525*) in the LRSAM1 gene. It is expected to result in an absent or disrupted protein product. Loss-of-function variants in LRSAM1 are known to be pathogenic (PMID: 20865121, 33414056). This variant is not present in population databases (gnomAD no frequency). This variant has not been reported in the literature in individuals affected with LRSAM1-related conditions. For these reasons, this variant has been classified as Pathogenic.

Literature cited by the submitters: PubMed 20865121 (cited by Labcorp Genetics (formerly Invitae), Labcorp); PubMed 33414056 (cited by Labcorp Genetics (formerly Invitae), Labcorp).